The following is an entry in ClinVar:

NM_017547.4(FOXRED1):c.1183G>T (p.Val395Phe)

Gene: FOXRED1 (FAD dependent oxidoreductase domain containing 1; plus strand). Cytogenetic location: 11q24.2.
Variant type: single nucleotide variant.
Coding change: c.1183G>T on transcript NM_017547.4 (MANE Select); coding-DNA position 1183, G replaced by T.
Protein change: p.Val395Phe; replaces valine 395 with phenylalanine.
Molecular consequence: missense variant. On other transcripts: non-coding transcript variant (2).
Genome position (GRCh38, 1-based): chr11:126,277,152, G>T. VCF-style: chr11-126277152-G-T. GRCh37 (hg19) VCF-style: chr11-126147047-G-T.
Other names: p.Val395Phe; short protein forms V395F.
Identifiers: ClinVar variation 303545 (VCV000303545.10), dbSNP rs767749700, ClinGen allele CA6354390.

ClinVar aggregate classification (germline): Uncertain significance. Review status: criteria provided, multiple submitters, no conflicts (2 of 4 stars). 4 submissions from 4 submitters: Uncertain significance (3). 1 of the submissions does not count toward it. Last evaluated 2025-06-30.

Conditions:
Mitochondrial complex I deficiency, nuclear type 1. Also called: NADH-COENZYME Q REDUCTASE DEFICIENCY; MITOCHONDRIAL NADH DEHYDROGENASE COMPONENT OF COMPLEX I, DEFICIENCY OF. Identifiers: MedGen C6022305, MONDO:0100224, OMIM 252010.
Seizure. Also called: Seizures. Identifiers: MedGen C0036572, HP:0001250.

Allele frequency attached by ClinVar (database versions not stated): TOPMed 0.00005; gnomAD exomes 0.00007 and 0.00008; ExAC 0.00008; gnomAD 0.00011.

Submissions (4):

Labcorp Genetics (formerly Invitae), Labcorp
Classification: Uncertain significance. Last evaluated: 2025-06-30. Review status: criteria provided, single submitter. Criteria: Invitae Variant Classification Sherloc (09022015). Collection method: clinical testing. Allele origin: germline.
Comment: This sequence change replaces valine, which is neutral and non-polar, with phenylalanine, which is neutral and non-polar, at codon 395 of the FOXRED1 protein (p.Val395Phe). This variant is present in population databases (rs767749700, gnomAD 0.02%). This variant has not been reported in the literature in individuals affected with FOXRED1-related conditions. ClinVar contains an entry for this variant (Variation ID: 303545). Invitae Evidence Modeling of protein sequence and biophysical properties (such as structural, functional, and spatial information, amino acid conservation, physicochemical variation, residue mobility, and thermodynamic stability) indicates that this missense variant is expected to disrupt FOXRED1 protein function with a positive predictive value of 95%. In summary, the available evidence is currently insufficient to determine the role of this variant in disease. Therefore, it has been classified as a Variant of Uncertain Significance.

Mayo Clinic Laboratories, Mayo Clinic
Classification: Uncertain significance. Last evaluated: 2024-10-09. Review status: criteria provided, single submitter. Criteria: ACMG Guidelines, 2015. Collection method: clinical testing. Allele origin: germline. Observed: 1 variant allele.

Illumina Laboratory Services, Illumina
Classification: Uncertain significance for Mitochondrial complex I deficiency, nuclear type 1. Last evaluated: 2018-01-13. Review status: criteria provided, single submitter. Criteria: ICSL Variant Classification Criteria 13 December 2019. Collection method: clinical testing. Allele origin: germline.

Clinical Molecular Genetics Laboratory, Johns Hopkins All Children's Hospital
Classification: Uncertain significance for seizures. Last evaluated: 2016-08-03. Review status: no assertion criteria provided. Collection method: clinical testing. Allele origin: germline. Affected: yes. Not counted in ClinVar's aggregate classification.